The following is an entry in ClinVar:

NM_015338.6(ASXL1):c.2681G>C (p.Ser894Thr)

Gene: ASXL1 (ASXL transcriptional regulator 1; plus strand). Cytogenetic location: 20q11.21.
Variant type: single nucleotide variant.
Coding change: c.2681G>C on transcript NM_015338.6 (MANE Select); coding-DNA position 2681, G replaced by C.
Protein change: p.Ser894Thr; replaces serine 894 with threonine.
Molecular consequence: missense variant.
Genome position (GRCh38, 1-based): chr20:32,435,393, G>C. VCF-style: chr20-32435393-G-C. GRCh37 (hg19) VCF-style: chr20-31023196-G-C.
Other names: c.2498G>C, p.Ser833Thr (NM_001363734.1); short protein forms S833T, S894T.
Identifiers: ClinVar variation 4799102 (VCV004799102.2).
Genomic context (GRCh38, chr20:32,435,393, plus strand): 5'-CTATGAGGGAAAGTGATACTAGACAAGAAAACTTGAAAACCAAGGCTCTCGTTTCTAACA[G>C]TTCTTTGCATTGGATACCCATCCCATCGAATGATGAGGTAGTGAAACAGCCCAAACCAGA-3'
Protein context (NP_056153.2, residues 884-904): NLKTKALVSN[Ser894Thr]SLHWIPIPSN

ClinVar aggregate classification (germline): Uncertain significance. Review status: criteria provided, multiple submitters, no conflicts (2 of 4 stars). 2 submissions from 2 submitters: Uncertain significance (2). Last evaluated 2025-12-18.

Conditions:
Inborn genetic diseases. Identifiers: MedGen C0950123, MeSH D030342.

Submissions (2):

Ambry Genetics
Classification: Uncertain significance for Inborn genetic diseases. Last evaluated: 2025-12-18. Review status: criteria provided, single submitter. Criteria: Ambry Variant Classification Scheme 2023. Collection method: clinical testing. Allele origin: germline.
Comment: The p.S894T variant (also known as c.2681G>C), located in coding exon 13 of the ASXL1 gene, results from a G to C substitution at nucleotide position 2681. The serine at codon 894 is replaced by threonine, an amino acid with similar properties. This amino acid position is conserved. In addition, this alteration is predicted to be tolerated by in silico analysis. Based on the available evidence, the clinical significance of this variant remains unclear.

Labcorp Genetics (formerly Invitae), Labcorp
Classification: Uncertain significance. Last evaluated: 2025-10-16. Review status: criteria provided, single submitter. Criteria: Invitae Variant Classification Sherloc (09022015). Collection method: clinical testing. Allele origin: germline.
Comment: This sequence change replaces serine, which is neutral and polar, with threonine, which is neutral and polar, at codon 894 of the ASXL1 protein (p.Ser894Thr). This variant is not present in population databases (gnomAD no frequency). This variant has not been reported in the literature in individuals affected with ASXL1-related conditions. An algorithm developed to predict the effect of missense changes on protein structure and function (PolyPhen-2) suggests that this variant is likely to be tolerated. In summary, the available evidence is currently insufficient to determine the role of this variant in disease. Therefore, it has been classified as a Variant of Uncertain Significance.